The following is an entry in ClinVar:

ClinVar aggregate classification (germline): Likely benign (1 of 4 stars; one submission).

Submission:

Mayo Clinic Laboratories, Mayo Clinic
Classification: Likely benign. Last evaluated: 2025-08-25. Review status: criteria provided, single submitter. Criteria: ACMG Guidelines, 2015. Collection method: clinical testing. Allele origin: germline. Observed: 1 variant allele.
Comment: BP4, BP7

NM_006432.5(NPC2):c.363+3A>G

Gene: NPC2 (NPC intracellular cholesterol transporter 2; minus strand). Cytogenetic location: 14q24.3.
Variant type: single nucleotide variant.
Coding change: c.363+3A>G on transcript NM_006432.5 (MANE Select); 3 bases into the intron after coding-DNA position 363, A replaced by G.
Molecular consequence: intron variant.
Genome position (GRCh38, 1-based): chr14:74,484,412, T>C on the plus strand (A>G on the coding strand, the complement: NPC2 is on the minus strand). VCF-style: chr14-74484412-T-C. GRCh37 (hg19) VCF-style: chr14-74951115-T-C.
Other names: p.?; c.363+3A>G (NM_001363688.1, NM_001375440.1).
Identifiers: ClinVar variation 4683902 (VCV004683902.1).